The following is an entry in ClinVar:

ClinVar aggregate classification (germline): Uncertain significance (1 of 4 stars; one submission).

Conditions:
Wilms tumor 1 (WT1). Also called: Wilms tumor, somatic. Identifiers: Orphanet 654, MedGen CN033288, MONDO:0008679, OMIM 194070.

Allele frequency attached by ClinVar (database versions not stated): gnomAD exomes below 0.00001.
gnomAD v4.1: 2 of 1,211,137 alleles (0.00017%); highest among the groups gnomAD compares: Non-Finnish European, 0.00022%; no homozygotes.

Submission:

Labcorp Genetics (formerly Invitae), Labcorp
Classification: Uncertain significance for Wilms tumor 1. Last evaluated: 2022-07-24. Review status: criteria provided, single submitter. Criteria: Invitae Variant Classification Sherloc (09022015). Collection method: clinical testing. Allele origin: germline.
Comment: This sequence change replaces valine, which is neutral and non-polar, with alanine, which is neutral and non-polar, at codon 280 of the GPC3 protein (p.Val280Ala). In summary, the available evidence is currently insufficient to determine the role of this variant in disease. Therefore, it has been classified as a Variant of Uncertain Significance. Algorithms developed to predict the effect of missense changes on protein structure and function output the following: SIFT: "Tolerated"; PolyPhen-2: "Benign"; Align-GVGD: "Class C0". The alanine amino acid residue is found in multiple mammalian species, which suggests that this missense change does not adversely affect protein function. This variant has not been reported in the literature in individuals affected with GPC3-related conditions. This variant is not present in population databases (gnomAD no frequency).

NM_004484.4(GPC3):c.839T>C (p.Val280Ala)

Gene: GPC3 (glypican 3; minus strand). Cytogenetic location: Xq26.2.
Variant type: single nucleotide variant.
Coding change: c.839T>C on transcript NM_004484.4 (MANE Select); coding-DNA position 839, T replaced by C.
Protein change: p.Val280Ala; replaces valine 280 with alanine.
Molecular consequence: missense variant.
Genome position (GRCh38, 1-based): chrX:133,753,675, A>G on the plus strand (T>C on the coding strand, the complement: GPC3 is on the minus strand). VCF-style: chrX-133753675-A-G. GRCh37 (hg19) VCF-style: chrX-132887702-A-G.
Other names: c.839T>C, p.Val280Ala (NM_001164617.2); c.791T>C, p.Val264Ala (NM_001164618.2); c.677T>C, p.Val226Ala (NM_001164619.2); short protein forms V226A, V280A, V264A.
Identifiers: ClinVar variation 2191134 (VCV002191134.4), dbSNP rs764111452, ClinGen allele CA335981508.